The following is an entry in ClinVar:

ClinVar aggregate classification (germline): Uncertain significance (1 of 4 stars; one submission).

Submission:

GeneDx
Classification: Uncertain significance. Last evaluated: 2022-08-19. Review status: criteria provided, single submitter. Criteria: GeneDx Variant Classification Process June 2021. Collection method: clinical testing. Allele origin: germline. Affected: yes.
Comment: Not observed at significant frequency in large population cohorts (gnomAD); In silico analysis supports that this missense variant has a deleterious effect on protein structure/function; Has not been previously published as pathogenic or benign to our knowledge

NM_033163.5(FGF8):c.300G>C (p.Lys100Asn)

Gene: FGF8 (fibroblast growth factor 8; minus strand). Cytogenetic location: 10q24.32.
Variant type: single nucleotide variant.
Coding change: c.300G>C on transcript NM_033163.5 (MANE Select); coding-DNA position 300, G replaced by C.
Protein change: p.Lys100Asn; replaces lysine 100 with asparagine.
Molecular consequence: missense variant. On other transcripts: 5 prime UTR variant (1).
Genome position (GRCh38, 1-based): chr10:101,774,769, C>G on the plus strand (G>C on the coding strand, the complement: FGF8 is on the minus strand). VCF-style: chr10-101774769-C-G. GRCh37 (hg19) VCF-style: chr10-103534526-C-G.
Other names: c.-13G>C (NM_001206389.2); c.213G>C, p.Lys71Asn (NM_006119.6); c.267G>C, p.Lys89Asn (NM_033164.4); c.180G>C, p.Lys60Asn (NM_033165.5); short protein forms K100N, K60N, K71N, K89N.
Identifiers: ClinVar variation 2430408 (VCV002430408.1), dbSNP rs1288278399, ClinGen allele CA377836318.
Genomic context (GRCh38, chr10:101,774,769, plus strand): 5'-AAGCTACCTTCAGCGCGCCTTACCGAAGGGGTCGCCGTCCTCTGCCATGGCGTTGATGCG[C>G]TTGTTGGCCAGGACCTGCACGTGCTTCCCGCTGGTGCGGCTGTAGAGTTGGTAGGTCCGG-3'
Protein context (NP_149353.1, residues 90-110): SGKHVQVLAN[Lys100Asn]RINAMAEDGD